The following is an entry in ClinVar:

ClinVar aggregate classification (germline): Pathogenic (1 of 4 stars; one submission).

Conditions:
Long QT syndrome (LQTS). Identifiers: MedGen C0023976, MeSH D008133, MONDO:0002442. Disease mechanism: loss of function. Inheritance: Various modes of inheritance.

Submission:

Labcorp Genetics (formerly Invitae), Labcorp
Classification: Pathogenic for Long QT syndrome. Last evaluated: 2017-09-25. Review status: criteria provided, single submitter. Criteria: Invitae Variant Classification Sherloc (09022015). Collection method: clinical testing. Allele origin: germline.
Comment: For these reasons, this variant has been classified as Pathogenic. Loss-of-function variants in KCNH2 are known to be pathogenic (PMID: 19862833). This variant has not been reported in the literature in individuals with KCNH2-related disease. While this variant is not present in population databases, the frequency information is unreliable, as metrics indicate poor data quality at this position in the ExAC database. This sequence change creates a premature translational stop signal (p.Leu171Argfs*22) in the KCNH2 gene. It is expected to result in an absent or disrupted protein product.

Literature cited by the submitters: PubMed 19862833.

NM_000238.4(KCNH2):c.512_536del (p.Leu171fs)

Gene: KCNH2 (potassium voltage-gated channel subfamily H member 2; minus strand). Cytogenetic location: 7q36.1.
Variant type: Deletion.
Coding change: c.512_536del on transcript NM_000238.4 (MANE Select); coding-DNA positions 512 to 536, 25 bases deleted (TGGCGCTGACGGCCCGGGAGTCGTC).
Protein change: p.Leu171fs; shifts the reading frame from leucine 171.
Molecular consequence: frameshift variant.
Genome position (GRCh38, 1-based): chr7:150,958,439-150,958,463, GACGACTCCCGGGCCGTCAGCGCCA deleted on the plus strand (TGGCGCTGACGGCCCGGGAGTCGTC on the coding strand, the reverse complement: KCNH2 is on the minus strand); deleting any 25 consecutive bases within chr7:150,958,439-150,958,464 gives the same sequence; the c. name uses the placement nearest the transcript's 3' end. VCF-style (leftmost placement, unchanged base first): chr7-150958438-CGACGACTCCCGGGCCGTCAGCGCCA-C. GRCh37 (hg19) VCF-style: chr7-150655526-CGACGACTCCCGGGCCGTCAGCGCCA-C.
Other names: c.512_536delTGGCGCTGACGGCCCGGGAGTCGTC (NM_000238.3); c.511_535del25, p.Leu171Argfs (NM_172056.3); c.223_247del25, p.Leu75Argfs (NM_001406753.1, NM_001406756.1); c.334_358del25, p.Leu112Argfs (NM_001406755.1); c.211_235del25, p.Leu71Argfs (NM_001406757.1); short protein forms L171fs.
Identifiers: ClinVar variation 526925 (VCV000526925.8), dbSNP rs1554427943, ClinGen allele CA658797051.
Genomic context (GRCh38, chr7:150,958,438, plus strand): 5'-GTCCACGTCCACCACCACGGCCCCCGGGGCGCCCGCGCCGCCCGCGCCGCCCGACCGCAC[CGACGACTCCCGGGCCGTCAGCGCCA>C]GCAGCGCGGGCAGCTTCAGGCGGAAGGTCTTGGCGCGGCCTGCGGGAGAGGAGAGGCACG-3'